The following is an entry in ClinVar:

ClinVar aggregate classification (germline): Conflicting classifications of pathogenicity. Review status: criteria provided, conflicting classifications (1 of 4 stars). 3 submissions from 3 submitters: Uncertain significance (1); Likely benign (2). Last evaluated 2025-12-28.

Allele frequency attached by ClinVar (database versions not stated): gnomAD 0.00001; TOPMed 0.00002.
gnomAD v4.1: 1 of 1,156,310 alleles (0.000086%); highest among the groups gnomAD compares: African/African-American, 0.0015%; no homozygotes.

Submissions (3):

Labcorp Genetics (formerly Invitae), Labcorp
Classification: Likely benign. Last evaluated: 2025-12-28. Review status: criteria provided, single submitter. Criteria: Invitae Variant Classification Sherloc (09022015). Collection method: clinical testing. Allele origin: germline.

Women's Health and Genetics/Laboratory Corporation of America, LabCorp
Classification: Likely benign. Last evaluated: 2024-03-05. Review status: criteria provided, single submitter. Criteria: LabCorp Variant Classification Summary - May 2015. Collection method: clinical testing. Allele origin: germline.
Comment: Variant summary: HBB c.316-107G>C is located at a position not widely known to affect splicing. Consensus agreement among computation tools predict no significant impact on normal splicing. However, these predictions have yet to be confirmed by functional studies. The variant was absent in 31394 control chromosomes. The available data on variant occurrences in the general population are insufficient to allow any conclusion about variant significance. To our knowledge, no occurrence of c.316-107G>C in individuals affected with Hemoglobinopathy and no experimental evidence demonstrating its impact on protein function have been reported. ClinVar contains an entry for this variant (Variation ID: 439148). Based on the evidence outlined above, the variant was classified as likely benign.

Quest Diagnostics Nichols Institute San Juan Capistrano
Classification: Uncertain significance. Last evaluated: 2016-12-14. Review status: criteria provided, single submitter. Criteria: Quest Diagnostics criteria. Collection method: clinical testing. Allele origin: germline.

NM_000518.5(HBB):c.316-107G>C

Genes: HBB (hemoglobin subunit beta; minus strand), LOC107133510 (origin of replication at HBB; plus strand), LOC110006319 (beta-globin gene 3' regulatory region; plus strand). Cytogenetic location: 11p15.4.
Variant type: single nucleotide variant.
Coding change: c.316-107G>C on transcript NM_000518.5 (MANE Select); 107 bases into the intron before coding-DNA position 316, G replaced by C.
Molecular consequence: intron variant.
Genome position (GRCh38, 1-based): chr11:5,225,833, C>G on the plus strand (G>C on the coding strand, the complement: HBB is on the minus strand). VCF-style: chr11-5225833-C-G. GRCh37 (hg19) VCF-style: chr11-5247063-C-G.
Identifiers: ClinVar variation 439148 (VCV000439148.8), dbSNP rs930802593, ClinGen allele CA217112959.